The following is an entry in ClinVar:

ClinVar aggregate classification (germline): Uncertain significance. Review status: criteria provided, multiple submitters, no conflicts (2 of 4 stars). 2 submissions from 2 submitters: Uncertain significance (2). Last evaluated 2025-11-03.

Conditions:
Developmental and epileptic encephalopathy, 23 (DEE23). Also called: Epileptic encephalopathy, early infantile, 23. Identifiers: Orphanet 411986, MedGen C4014492, MONDO:0014371, OMIM 615859.
Inborn genetic diseases. Identifiers: MedGen C0950123, MeSH D030342.

Allele frequency attached by ClinVar (database versions not stated): gnomAD 0.00001; gnomAD exomes 0.00002.
gnomAD v4.1: 33 of 1,613,772 alleles (0.002%); highest among the groups gnomAD compares: Non-Finnish European, 0.0025%; no homozygotes.

Submissions (2):

Ambry Genetics
Classification: Uncertain significance for Inborn genetic diseases. Last evaluated: 2025-11-03. Review status: criteria provided, single submitter. Criteria: Ambry Variant Classification Scheme 2023. Collection method: clinical testing. Allele origin: germline.

Labcorp Genetics (formerly Invitae), Labcorp
Classification: Uncertain significance for Developmental and epileptic encephalopathy, 23. Last evaluated: 2022-03-19. Review status: criteria provided, single submitter. Criteria: Invitae Variant Classification Sherloc (09022015). Collection method: clinical testing. Allele origin: germline.
Comment: This sequence change replaces asparagine, which is neutral and polar, with tyrosine, which is neutral and polar, at codon 1079 of the DOCK7 protein (p.Asn1079Tyr). This variant is not present in population databases (gnomAD no frequency). This variant has not been reported in the literature in individuals affected with DOCK7-related conditions. ClinVar contains an entry for this variant (Variation ID: 935286). Algorithms developed to predict the effect of missense changes on protein structure and function are either unavailable or do not agree on the potential impact of this missense change (SIFT: "Tolerated"; PolyPhen-2: "Possibly Damaging"; Align-GVGD: "Class C0"). In summary, the available evidence is currently insufficient to determine the role of this variant in disease. Therefore, it has been classified as a Variant of Uncertain Significance.

NM_001367561.1(DOCK7):c.3235A>T (p.Asn1079Tyr)

Gene: DOCK7 (dedicator of cytokinesis 7; minus strand). Cytogenetic location: 1p31.3.
Variant type: single nucleotide variant.
Coding change: c.3235A>T on transcript NM_001367561.1 (MANE Select); coding-DNA position 3235, A replaced by T.
Protein change: p.Asn1079Tyr; replaces asparagine 1079 with tyrosine.
Molecular consequence: missense variant.
Genome position (GRCh38, 1-based): chr1:62,539,610, T>A on the plus strand (A>T on the coding strand, the complement: DOCK7 is on the minus strand). VCF-style: chr1-62539610-T-A. GRCh37 (hg19) VCF-style: chr1-63005281-T-A.
Other names: c.3142A>T (NM_033407.2); c.3235A>T, p.Asn1079Tyr (NM_001271999.2, NM_001330614.2); c.3142A>T, p.Asn1048Tyr (NM_001272000.2, NM_001272001.2, NM_033407.4); short protein forms N1048Y, N1079Y.
Identifiers: ClinVar variation 935286 (VCV000935286.8), dbSNP rs906588303, ClinGen allele CA23741375.